The following is an entry in ClinVar:

NM_001349206.2(LPIN1):c.1527C>T (p.Ser509=)

Gene: LPIN1 (lipin 1; plus strand). Cytogenetic location: 2p25.1.
Variant type: single nucleotide variant.
Coding change: c.1527C>T on transcript NM_001349206.2 (MANE Select); coding-DNA position 1527, C replaced by T.
Protein change: p.Ser509=; no amino-acid change (serine 509 retained).
Molecular consequence: synonymous variant. On other transcripts: non-coding transcript variant (1).
Genome position (GRCh38, 1-based): chr2:11,785,054, C>T. VCF-style: chr2-11785054-C-T. GRCh37 (hg19) VCF-style: chr2-11925180-C-T.
Other names: c.1527C>T, p.Ser509= (NM_001349205.2, NM_001349204.2); c.1617C>T, p.Ser539= (NM_001349207.2); c.1566C>T, p.Ser522= (NM_001349208.2); c.1419C>T, p.Ser473= (NM_145693.4, NM_001349199.2, NM_001349200.2 and 1 more transcripts); c.1419C>T (NM_145693.2); c.1437C>T, p.Ser479= (NM_001261427.3); c.1674C>T, p.Ser558= (NM_001261428.3); c.1524C>T, p.Ser508= (NM_001349202.2, NM_001349203.2).
Identifiers: ClinVar variation 1954712 (VCV001954712.6), dbSNP rs1674296041, ClinGen allele CA424860698.

ClinVar aggregate classification (germline): Likely benign. Review status: criteria provided, multiple submitters, no conflicts (2 of 4 stars). 2 submissions from 2 submitters: Likely benign (2). Last evaluated 2025-09-06.

Conditions:
LPIN1-related disorder. Also called: LPIN1-related condition.

Allele frequency attached by ClinVar (database versions not stated): TOPMed below 0.00001; gnomAD 0.00001.

Submissions (2):

Labcorp Genetics (formerly Invitae), Labcorp
Classification: Likely benign. Last evaluated: 2025-09-06. Review status: criteria provided, single submitter. Criteria: Invitae Variant Classification Sherloc (09022015). Collection method: clinical testing. Allele origin: germline.

PreventionGenetics, part of Exact Sciences
Classification: Likely benign for LPIN1-related condition. Last evaluated: 2025-09-04. Review status: criteria provided, single submitter. Criteria: ACMG Guidelines, 2015. Collection method: clinical testing. Allele origin: germline.
Comment: This variant is classified as likely benign based on ACMG/AMP sequence variant interpretation guidelines (Richards et al. 2015 PMID: 25741868, with internal and published modifications).